The following is an entry in ClinVar:

ClinVar aggregate classification (germline): Uncertain significance (1 of 4 stars; one submission).

Allele frequency attached by ClinVar (database versions not stated): gnomAD exomes below 0.00001 and 0.00001; ExAC 0.00001; TOPMed 0.00004.

Submission:

Labcorp Genetics (formerly Invitae), Labcorp
Classification: Uncertain significance. Last evaluated: 2022-01-05. Review status: criteria provided, single submitter. Criteria: Invitae Variant Classification Sherloc (09022015). Collection method: clinical testing. Allele origin: germline.
Comment: This variant has not been reported in the literature in individuals affected with HELLS-related conditions. This variant is present in population databases (rs761965198, gnomAD 0.002%). This sequence change replaces methionine, which is neutral and non-polar, with threonine, which is neutral and polar, at codon 125 of the HELLS protein (p.Met125Thr). Algorithms developed to predict the effect of missense changes on protein structure and function output the following: SIFT: "Tolerated"; PolyPhen-2: "Benign"; Align-GVGD: "Class C0". The threonine amino acid residue is found in multiple mammalian species, which suggests that this missense change does not adversely affect protein function. In summary, the available evidence is currently insufficient to determine the role of this variant in disease. Therefore, it has been classified as a Variant of Uncertain Significance.

NM_018063.5(HELLS):c.374T>C (p.Met125Thr)

Gene: HELLS (helicase, lymphoid specific; plus strand). Cytogenetic location: 10q23.33.
Variant type: single nucleotide variant.
Coding change: c.374T>C on transcript NM_018063.5 (MANE Select); coding-DNA position 374, T replaced by C.
Protein change: p.Met125Thr; replaces methionine 125 with threonine.
Molecular consequence: missense variant. On other transcripts: initiator codon variant (1), 5 prime UTR variant (2), intron variant (1).
Genome position (GRCh38, 1-based): chr10:94,562,815, T>C. VCF-style: chr10-94562815-T-C. GRCh37 (hg19) VCF-style: chr10-96322572-T-C.
Other names: c.374T>C, p.Met125Thr (NM_001289067.2, NM_001289069.2, NM_001289070.2 and 1 more transcripts); c.326T>C, p.Met109Thr (NM_001289068.2); c.2T>C, p.Met1Thr (NM_001289071.2); c.-629T>C (NM_001289074.2); c.-648T>C (NM_001289075.2); c.21+88T>C (NM_001289073.2); short protein forms M125T, M109T, M1T.
Identifiers: ClinVar variation 1363170 (VCV001363170.8), dbSNP rs761965198, ClinGen allele CA5615267.